The following is an entry in ClinVar:

ClinVar aggregate classification (germline): Uncertain significance (1 of 4 stars; one submission).

Submission:

Labcorp Genetics (formerly Invitae), Labcorp
Classification: Uncertain significance. Last evaluated: 2025-07-22. Review status: criteria provided, single submitter. Criteria: Invitae Variant Classification Sherloc (09022015). Collection method: clinical testing. Allele origin: germline.
Comment: This sequence change replaces aspartic acid, which is acidic and polar, with valine, which is neutral and non-polar, at codon 229 of the TGFB1 protein (p.Asp229Val). This variant is not present in population databases (gnomAD no frequency). This variant has not been reported in the literature in individuals affected with TGFB1-related conditions. Invitae Evidence Modeling of protein sequence and biophysical properties (such as structural, functional, and spatial information, amino acid conservation, physicochemical variation, residue mobility, and thermodynamic stability) indicates that this missense variant is not expected to disrupt TGFB1 protein function with a negative predictive value of 80%. In summary, the available evidence is currently insufficient to determine the role of this variant in disease. Therefore, it has been classified as a Variant of Uncertain Significance.

NM_000660.7(TGFB1):c.686A>T (p.Asp229Val)

Gene: TGFB1 (transforming growth factor beta 1; minus strand). Cytogenetic location: 19q13.2.
Variant type: single nucleotide variant.
Coding change: c.686A>T on transcript NM_000660.7 (MANE Select); coding-DNA position 686, A replaced by T.
Protein change: p.Asp229Val; replaces aspartic acid 229 with valine.
Molecular consequence: missense variant.
Genome position (GRCh38, 1-based): chr19:41,342,196, T>A on the plus strand (A>T on the coding strand, the complement: TGFB1 is on the minus strand). VCF-style: chr19-41342196-T-A. GRCh37 (hg19) VCF-style: chr19-41848101-T-A.
Other names: short protein forms D229V.
Identifiers: ClinVar variation 4741163 (VCV004741163.1).